The following is an entry in ClinVar:

NM_018669.6(WDR4):c.473G>A (p.Arg158His)

Gene: WDR4 (WDR4 tRNA N7-guanosine methyltransferase non-catalytic subunit; minus strand). Cytogenetic location: 21q22.3.
Variant type: single nucleotide variant.
Coding change: c.473G>A on transcript NM_018669.6 (MANE Select); coding-DNA position 473, G replaced by A.
Protein change: p.Arg158His; replaces arginine 158 with histidine.
Molecular consequence: missense variant. On other transcripts: non-coding transcript variant (1).
Genome position (GRCh38, 1-based): chr21:42,862,375, C>T on the plus strand (G>A on the coding strand, the complement: WDR4 is on the minus strand). VCF-style: chr21-42862375-C-T. GRCh37 (hg19) VCF-style: chr21-44282485-C-T.
Other names: c.473G>A, p.Arg158His (NM_001260474.2, NM_033661.5); c.35G>A, p.Arg12His (NM_001260475.2, NM_001260476.2, NM_001260477.2 and 1 more transcripts); short protein forms R158H, R12H.
Identifiers: ClinVar variation 2062824 (VCV002062824.2), dbSNP rs756300679, ClinGen allele CA10046084.

ClinVar aggregate classification (germline): Uncertain significance (1 of 4 stars; one submission).

Allele frequency attached by ClinVar (database versions not stated): ExAC 0.00001; gnomAD 0.00001.
gnomAD v4.1: 7 of 1,608,732 alleles (0.00044%); highest among the groups gnomAD compares: Admixed American, 0.0067%; no homozygotes.

Submission:

Labcorp Genetics (formerly Invitae), Labcorp
Classification: Uncertain significance. Last evaluated: 2022-06-01. Review status: criteria provided, single submitter. Criteria: Invitae Variant Classification Sherloc (09022015). Collection method: clinical testing. Allele origin: germline.
Comment: This sequence change replaces arginine, which is basic and polar, with histidine, which is basic and polar, at codon 158 of the WDR4 protein (p.Arg158His). The frequency data for this variant in the population databases is considered unreliable, as metrics indicate poor data quality at this position in the gnomAD database. This variant has not been reported in the literature in individuals affected with WDR4-related conditions. Algorithms developed to predict the effect of missense changes on protein structure and function (SIFT, PolyPhen-2, Align-GVGD) all suggest that this variant is likely to be tolerated. In summary, the available evidence is currently insufficient to determine the role of this variant in disease. Therefore, it has been classified as a Variant of Uncertain Significance.